The following is an entry in ClinVar:

NM_000254.3(MTR):c.3079C>T (p.Arg1027Trp)

Gene: MTR (5-methyltetrahydrofolate-homocysteine methyltransferase; plus strand). Cytogenetic location: 1q43.
Variant type: single nucleotide variant.
Coding change: c.3079C>T on transcript NM_000254.3 (MANE Select); coding-DNA position 3079, C replaced by T.
Protein change: p.Arg1027Trp; replaces arginine 1027 with tryptophan.
Molecular consequence: missense variant.
Genome position (GRCh38, 1-based): chr1:236,891,204, C>T. VCF-style: chr1-236891204-C-T. GRCh37 (hg19) VCF-style: chr1-237054504-C-T.
Other names: p.R1027W:CGG>TGG; c.2926C>T, p.Arg976Trp (NM_001291939.1); c.1858C>T, p.Arg620Trp (NM_001291940.2); short protein forms R1027W, R620W, R976W.
Identifiers: ClinVar variation 203839 (VCV000203839.52), dbSNP rs116836001, ClinGen allele CA312749.

ClinVar aggregate classification (germline): Conflicting classifications of pathogenicity. Review status: criteria provided, conflicting classifications (1 of 4 stars). 8 submissions from 8 submitters: Uncertain significance (2); Benign (1); Likely benign (2). 3 of the submissions do not count toward it. Last evaluated 2026-02-02.

Conditions:
MTR-related disorder. Also called: MTR-related condition.
Disorders of Intracellular Cobalamin Metabolism. Identifiers: MedGen CN043592.
Methylcobalamin deficiency type cblG (HMAG). Also called: HOMOCYSTINURIA-MEGALOBLASTIC ANEMIA, cblG COMPLEMENTATION TYPE; HOMOCYSTINURIA-MEGALOBLASTIC ANEMIA DUE TO DEFECT IN COBALAMIN METABOLISM, cblG COMPLEMENTATION TYPE; HOMOCYSTINURIA-MEGALOBLASTIC ANEMIA, cblG TYPE; Functional methionine synthase deficiency type cblG. Identifiers: Orphanet 2170, Orphanet 622, MedGen C1855128, MONDO:0009609, OMIM 250940.

Allele frequency attached by ClinVar (database versions not stated): 1000 Genomes Project 0.00160; 1000 Genomes Project 30x 0.00187; gnomAD 0.00234 and 0.00235; TOPMed 0.00234; ESP Exome Variant Server 0.00284; gnomAD exomes 0.00295 and 0.00431; ExAC 0.00300.
gnomAD v4.1: 6,612 of 1,614,076 alleles (0.41%); highest among the groups gnomAD compares: Non-Finnish European, 0.48%; 22 homozygotes.

Submissions (8):

Labcorp Genetics (formerly Invitae), Labcorp
Classification: Benign for Methylcobalamin deficiency type cblG. Last evaluated: 2026-02-02. Review status: criteria provided, single submitter. Criteria: Invitae Variant Classification Sherloc (09022015). Collection method: clinical testing. Allele origin: germline.

CeGaT Center for Human Genetics Tuebingen
Classification: Likely benign. Last evaluated: 2025-06-01. Review status: criteria provided, single submitter. Criteria: CeGaT Center For Human Genetics Tuebingen Variant Classification Criteria Version 2. Collection method: clinical testing. Allele origin: germline. Affected: yes. Observed: 3 variant alleles.
Comment: MTR: BP4, BS2

ARUP Laboratories, Molecular Genetics and Genomics, ARUP Laboratories
Classification: Uncertain significance. Last evaluated: 2025-01-29. Review status: criteria provided, single submitter. Criteria: ARUP Molecular Germline Variant Investigation Process 2024. Collection method: clinical testing. Allele origin: germline.
Comment: The MTR c.3079C>T, p.Arg1027Trp variant (rs116836001), to our knowledge, is not reported in the medical literature but is reported in ClinVar (Variation ID: 203839). This variant is found in the general population with an allele frequency of 0.28% (811/282,858 alleles, including 6 homozygotes) in the Genome Aggregation Database. Computational analyses are uncertain whether this variant is neutral or deleterious (REVEL: 0.286). While the high population frequency suggests that this is likely a benign variant, given the lack of clinical and functional data, the significance of this variant is uncertain at this time.

GeneDx
Classification: Uncertain significance. Last evaluated: 2018-04-16. Review status: criteria provided, single submitter. Criteria: GeneDx Variant Classification (06012015). Collection method: clinical testing. Allele origin: germline. Affected: yes.
Comment: p.Arg1027Trp (CGG>TGG): c.3079 C>T in exon 29 in the MTR gene (NM_000254.2). The R1027W variant in the MTR gene has not been published as a pathogenic variant, nor has it been reported as a benign polymorphism to our knowledge. The NHLBI ESP Exome Sequencing Project reports R1027W was observed in 33/8600 alleles (0.38%) from individuals of European American background; however, this variant was not observed in the homozygous state in any individual within this population. The R1027W variant is a non-conservative amino acid substitution, which is likely to impact secondary protein structure as these residues differ in polarity, charge, size and/or other properties. This substitution occurs at a position that is not conserved across species. In silico analysis is inconsistent in its predictions as to whether or not the variant is damaging to the protein structure/function. We interpret R1027W as a variant of unknown significance. This variant has been observed to be maternally and paternally inherited. The variant is found in the MTR panel.

Illumina Laboratory Services, Illumina
Classification: Likely benign for Disorders of Intracellular Cobalamin Metabolism. Last evaluated: 2018-01-12. Review status: criteria provided, single submitter. Criteria: ICSL Variant Classification Criteria 13 December 2019. Collection method: clinical testing. Allele origin: germline.
Comment: This variant was observed in the ICSL laboratory as part of a predisposition screen in an ostensibly healthy population. It had not been previously curated by ICSL or reported in the Human Gene Mutation Database (HGMD: prior to June 1st, 2018), and was therefore a candidate for classification through an automated scoring system. Utilizing variant allele frequency, disease prevalence and penetrance estimates, and inheritance mode, an automated score was calculated to assess if this variant is too frequent to cause the disease. Based on the score and internal cut-off values, a variant classified as likely benign is not then subjected to further curation. The score for this variant resulted in a classification of likely benign for this disease.

PreventionGenetics, part of Exact Sciences
Classification: Likely benign for MTR-related condition. Last evaluated: 2024-02-15. Review status: no assertion criteria provided. Collection method: clinical testing. Allele origin: germline. Not counted in ClinVar's aggregate classification.
Comment: This variant is classified as likely benign based on ACMG/AMP sequence variant interpretation guidelines (Richards et al. 2015 PMID: 25741868, with internal and published modifications).

Clinical Genetics DNA and cytogenetics Diagnostics Lab, Erasmus MC, Erasmus Medical Center
Classification: Likely benign. Review status: no assertion criteria provided. Collection method: clinical testing. Allele origin: germline. Affected: yes. Study: VKGL Data-share Consensus. Not counted in ClinVar's aggregate classification.

Genome Diagnostics Laboratory, University Medical Center Utrecht
Classification: Likely benign. Review status: no assertion criteria provided. Collection method: clinical testing. Allele origin: germline. Affected: yes. Study: VKGL Data-share Consensus. Not counted in ClinVar's aggregate classification.